The following is an entry in ClinVar:

NM_002510.3(GPNMB):c.591C>T (p.Asn197=)

Gene: GPNMB (glycoprotein nmb; plus strand). Cytogenetic location: 7p15.3.
Variant type: single nucleotide variant.
Coding change: c.591C>T on transcript NM_002510.3 (MANE Select); coding-DNA position 591, C replaced by T.
Protein change: p.Asn197=; no amino-acid change (asparagine 197 retained).
Molecular consequence: synonymous variant.
Genome position (GRCh38, 1-based): chr7:23,260,029, C>T. VCF-style: chr7-23260029-C-T. GRCh37 (hg19) VCF-style: chr7-23299648-C-T.
Other names: c.591C>T, p.Asn197= (NM_001005340.2).
Identifiers: ClinVar variation 778296 (VCV000778296.7), dbSNP rs17147995, ClinGen allele CA4187454.

ClinVar aggregate classification (germline): Benign/Likely benign. Review status: criteria provided, multiple submitters, no conflicts (2 of 4 stars). 3 submissions from 3 submitters: Benign (1); Likely benign (1). 1 of the submissions does not count toward it. Last evaluated 2024-01-17.

Conditions:
GPNMB-related disorder. Also called: GPNMB-related condition.
Inborn genetic diseases. Identifiers: MedGen C0950123, MeSH D030342.

Allele frequency attached by ClinVar (database versions not stated): TOPMed 0.02638; 1000 Genomes Project 0.02696; ESP Exome Variant Server 0.02791; 1000 Genomes Project 30x 0.02873.
gnomAD v4.1: 11,421 of 1,614,042 alleles (0.71%); highest among the groups gnomAD compares: African/African-American, 8.2%; 291 homozygotes.

Submissions (3):

Ambry Genetics
Classification: Likely benign for Inborn genetic diseases. Last evaluated: 2024-01-17. Review status: criteria provided, single submitter. Criteria: Ambry Variant Classification Scheme 2023. Collection method: clinical testing. Allele origin: germline.

Labcorp Genetics (formerly Invitae), Labcorp
Classification: Benign. Last evaluated: 2019-12-31. Review status: criteria provided, single submitter. Criteria: Invitae Variant Classification Sherloc (09022015). Collection method: clinical testing. Allele origin: germline.

PreventionGenetics, part of Exact Sciences
Classification: Benign for GPNMB-related condition. Last evaluated: 2019-03-22. Review status: no assertion criteria provided. Collection method: clinical testing. Allele origin: germline. Not counted in ClinVar's aggregate classification.
Comment: This variant is classified as benign based on ACMG/AMP sequence variant interpretation guidelines (Richards et al. 2015 PMID: 25741868, with internal and published modifications).